The following is an entry in ClinVar:

ClinVar aggregate classification (germline): Uncertain significance. Review status: criteria provided, multiple submitters, no conflicts (2 of 4 stars). 2 submissions from 2 submitters: Uncertain significance (2). Last evaluated 2025-06-02.

Conditions:
Inborn genetic diseases. Identifiers: MedGen C0950123, MeSH D030342.
Spastic paraplegia. Identifiers: MedGen C0037772, HP:0001258.

Allele frequency attached by ClinVar (database versions not stated): TOPMed 0.00001; gnomAD 0.00002; ESP Exome Variant Server 0.00008.
gnomAD v4.1: 24 of 1,614,016 alleles (0.0015%); highest among the groups gnomAD compares: Non-Finnish European, 0.0017%; no homozygotes.

Submissions (2):

Labcorp Genetics (formerly Invitae), Labcorp
Classification: Uncertain significance for Spastic paraplegia. Last evaluated: 2025-06-02. Review status: criteria provided, single submitter. Criteria: Invitae Variant Classification Sherloc (09022015). Collection method: clinical testing. Allele origin: germline.
Comment: This sequence change replaces alanine, which is neutral and non-polar, with threonine, which is neutral and polar, at codon 277 of the B4GALNT1 protein (p.Ala277Thr). This variant is not present in population databases (gnomAD no frequency). This variant has not been reported in the literature in individuals affected with B4GALNT1-related conditions. ClinVar contains an entry for this variant (Variation ID: 1383202). Invitae Evidence Modeling of protein sequence and biophysical properties (such as structural, functional, and spatial information, amino acid conservation, physicochemical variation, residue mobility, and thermodynamic stability) indicates that this missense variant is not expected to disrupt B4GALNT1 protein function with a negative predictive value of 80%. In summary, the available evidence is currently insufficient to determine the role of this variant in disease. Therefore, it has been classified as a Variant of Uncertain Significance.

Ambry Genetics
Classification: Uncertain significance for Inborn genetic diseases. Last evaluated: 2024-12-05. Review status: criteria provided, single submitter. Criteria: Ambry Variant Classification Scheme 2023. Collection method: clinical testing. Allele origin: germline.

NM_001478.5(B4GALNT1):c.829G>A (p.Ala277Thr)

Gene: B4GALNT1 (beta-1,4-N-acetyl-galactosaminyltransferase 1; minus strand). Cytogenetic location: 12q13.3.
Variant type: single nucleotide variant.
Coding change: c.829G>A on transcript NM_001478.5 (MANE Select); coding-DNA position 829, G replaced by A.
Protein change: p.Ala277Thr; replaces alanine 277 with threonine.
Molecular consequence: missense variant.
Genome position (GRCh38, 1-based): chr12:57,628,886, C>T on the plus strand (G>A on the coding strand, the complement: B4GALNT1 is on the minus strand). VCF-style: chr12-57628886-C-T. GRCh37 (hg19) VCF-style: chr12-58022669-C-T.
Other names: c.664G>A, p.Ala222Thr (NM_001276468.2); c.829G>A (NM_001478.3); short protein forms A222T, A277T.
Identifiers: ClinVar variation 1383202 (VCV001383202.5), dbSNP rs373978358, ClinGen allele CA237791160.